The following is an entry in ClinVar:

ClinVar aggregate classification (germline): Uncertain significance (1 of 4 stars; one submission).

Conditions:
Hereditary cancer-predisposing syndrome. Also called: Tumor predisposition; Hereditary neoplastic syndrome; Hereditary Cancer Syndrome; Neoplastic Syndromes, Hereditary. Identifiers: Orphanet 140162, MedGen C0027672, MeSH D009386, MONDO:0015356.

Submission:

Ambry Genetics
Classification: Uncertain significance for Hereditary cancer-predisposing syndrome. Last evaluated: 2024-03-03. Review status: criteria provided, single submitter. Criteria: Ambry Variant Classification Scheme 2023. Collection method: clinical testing. Allele origin: germline.
Comment: The p.P424R variant (also known as c.1271C>G), located in coding exon 9 of the BMPR1A gene, results from a C to G substitution at nucleotide position 1271. The proline at codon 424 is replaced by arginine, an amino acid with dissimilar properties. This amino acid position is conserved. In addition, the in silico prediction for this alteration is inconclusive. Based on the available evidence, the clinical significance of this alteration remains unclear.

NM_004329.3(BMPR1A):c.1271C>G (p.Pro424Arg)

Gene: BMPR1A (bone morphogenetic protein receptor type 1A; plus strand). Cytogenetic location: 10q23.2.
Variant type: single nucleotide variant.
Coding change: c.1271C>G on transcript NM_004329.3 (MANE Select); coding-DNA position 1271, C replaced by G.
Protein change: p.Pro424Arg; replaces proline 424 with arginine.
Molecular consequence: missense variant. On other transcripts: non-coding transcript variant (3).
Genome position (GRCh38, 1-based): chr10:86,921,624, C>G. VCF-style: chr10-86921624-C-G. GRCh37 (hg19) VCF-style: chr10-88681381-C-G.
Other names: c.1346C>G, p.Pro449Arg (NM_001406559.1); c.1319C>G, p.Pro440Arg (NM_001406560.1); c.1271C>G, p.Pro424Arg (NM_001406561.1, NM_001406562.1, NM_001406563.1 and 19 more transcripts); c.1265C>G, p.Pro422Arg (NM_001406583.1); c.1187C>G, p.Pro396Arg (NM_001406584.1, NM_001406585.1, NM_001406586.1 and 2 more transcripts); c.929C>G, p.Pro310Arg (NM_001406589.1); short protein forms P310R, P396R, P422R, P424R, P440R, P449R.
Identifiers: ClinVar variation 3223944 (VCV003223944.1), dbSNP rs2133607623, ClinGen allele CA377462185.